The following is an entry in ClinVar:

ClinVar aggregate classification (germline): Conflicting classifications of pathogenicity. Review status: criteria provided, conflicting classifications (1 of 4 stars). 2 submissions from 2 submitters: Pathogenic (1); Uncertain significance (1). Last evaluated 2022-09-19.

Conditions:
GLUT1 deficiency syndrome 1, autosomal recessive. Identifiers: MedGen C3149117.

Submissions (2):

Labcorp Genetics (formerly Invitae), Labcorp
Classification: Pathogenic for GLUT1 deficiency syndrome 1, autosomal recessive. Last evaluated: 2022-09-19. Review status: criteria provided, single submitter. Criteria: Invitae Variant Classification Sherloc (09022015). Collection method: clinical testing. Allele origin: germline.
Comment: For these reasons, this variant has been classified as Pathogenic. Advanced modeling of protein sequence and biophysical properties (such as structural, functional, and spatial information, amino acid conservation, physicochemical variation, residue mobility, and thermodynamic stability) performed at Invitae indicates that this missense variant is expected to disrupt SLC2A1 protein function. ClinVar contains an entry for this variant (Variation ID: 645206). This missense change has been observed in individual(s) with clinical features of SLC2A1-related conditions (Invitae). In at least one individual the variant was observed to be de novo. This variant is not present in population databases (gnomAD no frequency). This sequence change replaces serine, which is neutral and polar, with leucine, which is neutral and non-polar, at codon 68 of the SLC2A1 protein (p.Ser68Leu).

GeneDx
Classification: Uncertain significance. Last evaluated: 2019-07-05. Review status: criteria provided, single submitter. Criteria: GeneDx Variant Classification Process June 2021. Collection method: clinical testing. Allele origin: germline. Affected: yes.
Comment: Not observed in large population cohorts (Lek et al., 2016); In silico analysis, which includes protein predictors and evolutionary conservation, supports a deleterious effect; Has not been previously published as pathogenic or benign to our knowledge; This variant is associated with the following publications: (PMID: 33126486)

NM_006516.4(SLC2A1):c.203C>T (p.Ser68Leu)

Gene: SLC2A1 (solute carrier family 2 member 1; minus strand). Cytogenetic location: 1p34.2.
Variant type: single nucleotide variant.
Coding change: c.203C>T on transcript NM_006516.4 (MANE Select); coding-DNA position 203, C replaced by T.
Protein change: p.Ser68Leu; replaces serine 68 with leucine.
Molecular consequence: missense variant.
Genome position (GRCh38, 1-based): chr1:42,931,118, G>A on the plus strand (C>T on the coding strand, the complement: SLC2A1 is on the minus strand). VCF-style: chr1-42931118-G-A. GRCh37 (hg19) VCF-style: chr1-43396789-G-A.
Other names: short protein forms S68L.
Identifiers: ClinVar variation 645206 (VCV000645206.10), dbSNP rs1570593865, ClinGen allele CA339962024.